The following is an entry in ClinVar:

ClinVar aggregate classification (germline): Likely pathogenic. Review status: criteria provided, multiple submitters, no conflicts (2 of 4 stars). 2 submissions from 2 submitters: Likely pathogenic (2). Last evaluated 2026-04-17.

Conditions:
Stickler syndrome type 1 (STL1). Also called: ARTHROOPHTHALMOPATHY, HEREDITARY PROGRESSIVE; STICKLER SYNDROME, MEMBRANOUS VITREOUS TYPE; STICKLER SYNDROME, VITREOUS TYPE 1; COL2A1-Related Stickler Syndrome. Identifiers: Orphanet 828, Orphanet 90653, MedGen C2020284, MONDO:0007160, OMIM 108300.

Submissions (2):

Institute of Medical Genetics and Applied Genomics, University Hospital Tübingen
Classification: Likely pathogenic for Stickler syndrome type 1. Last evaluated: 2026-04-17. Review status: criteria provided, single submitter. Criteria: ACMG Guidelines, 2015. Collection method: clinical testing. Allele origin: de novo. Inheritance: Autosomal dominant inheritance. Affected: yes.

Victorian Clinical Genetics Services, Murdoch Childrens Research Institute
Classification: Likely pathogenic for Stickler syndrome type 1. Last evaluated: 2022-09-02. Review status: criteria provided, single submitter. Criteria: ACMG Guidelines, 2015. Collection method: clinical testing. Allele origin: germline. Inheritance: Autosomal dominant inheritance.
Comment: Based on the classification scheme VCGS_Germline_v1.3.4, this variant is classified as Likely Pathogenic. Following criteria are met: 0103 - Dominant negative and loss of function are known mechanisms of disease in this gene and are associated with the spondyloepiphyseal dysplasia spectrum and Stickler syndrome, respectively. Missense variants affecting glycine residues in COL2A1 are associated with a dominant negative mechanism while protein truncating variants and some missense variants are associated with a loss of function mechanism (PMIDs: 15895462, 27234559). (I) 0107 - This gene is associated with autosomal dominant disease. (I) 0115 - Variants in this gene are known to have variable expressivity. Intra and inter-familial variability in phenotype and expressivity has been observed (GeneReviews). (I) 0211 - Canonical splice site variant without proven consequence on splicing (no functional evidence available). (SP) 0251 - This variant is heterozygous. (I) 0301 - Variant is absent from gnomAD (both v2 and v3). (SP) 0505 - Abnormal splicing is predicted by in silico tools and affected nucleotide is highly conserved. (SP) 0703 - Other canonical splice variants comparable to the one identified in this case have moderate previous evidence for pathogenicity. The c.2625+1G>T variant has been reported in one family with Stickler syndrome and the membranous vitreous phenotype while the c.2625+1del variant has been classified as pathogenic by one clinical diagnostic laboratory (PMID: 20513134, ClinVar). (SP) 0807 - This variant has no previous evidence of pathogenicity. (I) 0905 - No published segregation evidence has been identified for this variant. (I) 1007 - No published functional evidence has been identified for this variant. (I) Legend: (SP) - Supporting pathogenic, (I) - Information, (SB) - Supporting benign

Literature cited by the submitters: PubMed 15895462 (cited by Victorian Clinical Genetics Services, Murdoch Childrens Research Institute); PubMed 20513134 (cited by Victorian Clinical Genetics Services, Murdoch Childrens Research Institute); PubMed 27234559 (cited by Victorian Clinical Genetics Services, Murdoch Childrens Research Institute).

NM_001844.5(COL2A1):c.2625+2T>C

Gene: COL2A1 (collagen type II alpha 1 chain; minus strand). Cytogenetic location: 12q13.11.
Variant type: single nucleotide variant.
Coding change: c.2625+2T>C on transcript NM_001844.5 (MANE Select); the canonical splice donor site of the intron after coding-DNA position 2625, T replaced by C.
Molecular consequence: splice donor variant.
Genome position (GRCh38, 1-based): chr12:47,980,552, A>G on the plus strand (T>C on the coding strand, the complement: COL2A1 is on the minus strand). VCF-style: chr12-47980552-A-G. GRCh37 (hg19) VCF-style: chr12-48374335-A-G.
Other names: c.2418+2T>C (NM_033150.3).
Identifiers: ClinVar variation 1805386 (VCV001805386.2), dbSNP rs2540121985, ClinGen allele CA384544333.